The following is an entry in ClinVar:

ClinVar aggregate classification (germline): Uncertain significance (1 of 4 stars; one submission).

Allele frequency attached by ClinVar (database versions not stated): gnomAD exomes 0.00001.
gnomAD v4.1: 14 of 1,536,872 alleles (0.00091%); highest among the groups gnomAD compares: South Asian, 0.0012%; no homozygotes.

Submission:

Ambry Genetics
Classification: Uncertain significance. Last evaluated: 2024-12-02. Review status: criteria provided, single submitter. Criteria: Ambry Variant Classification Scheme 2023. Collection method: clinical testing. Allele origin: germline.
Comment: The p.A136V variant (also known as c.407C>T), located in coding exon 1 of the WNK2 gene, results from a C to T substitution at nucleotide position 407. The alanine at codon 136 is replaced by valine, an amino acid with similar properties. This amino acid position is conserved. In addition, this alteration is predicted to be tolerated by in silico analysis. Based on the available evidence, the clinical significance of this variant remains unclear.

NM_006648.4(WNK2):c.407C>T (p.Ala136Val)

Gene: WNK2 (WNK lysine deficient protein kinase 2; plus strand). Cytogenetic location: 9q22.31.
Variant type: single nucleotide variant.
Coding change: c.407C>T on transcript NM_006648.4 (MANE Select); coding-DNA position 407, C replaced by T.
Protein change: p.Ala136Val; replaces alanine 136 with valine.
Molecular consequence: missense variant.
Genome position (GRCh38, 1-based): chr9:93,185,336, C>T. VCF-style: chr9-93185336-C-T. GRCh37 (hg19) VCF-style: chr9-95947618-C-T.
Other names: c.407C>T, p.Ala136Val (NM_001282394.3); short protein forms A136V.
Identifiers: ClinVar variation 2536392 (VCV002536392.3), dbSNP rs1349074328, ClinGen allele CA374055208.